The following is an entry in ClinVar:

NM_000038.6(APC):c.532-1128G>T

Gene: APC (APC regulator of WNT signaling pathway; plus strand). Cytogenetic location: 5q22.2.
Variant type: single nucleotide variant.
Coding change: c.532-1128G>T on transcript NM_000038.6 (MANE Select); 1128 bases into the intron before coding-DNA position 532, G replaced by T.
Molecular consequence: intron variant.
Genome position (GRCh38, 1-based): chr5:112,779,662, G>T. VCF-style: chr5-112779662-G-T. GRCh37 (hg19) VCF-style: chr5-112115359-G-T.
Other names: c.532-1128G>T (NM_001354895.2, NM_001127510.3, NM_001354896.2 and 2 more transcripts); c.562-1128G>T (NM_001354897.2, NM_001354902.2, NM_001127511.3); c.457-1128G>T (NM_001354898.2, NM_001354904.2); c.-504-1128G>T (NM_001354906.2); c.355-1128G>T (NM_001354900.2, NM_001354901.2, NM_001354905.2).
Identifiers: ClinVar variation 82932 (VCV000082932.2), dbSNP rs77627110, ClinGen allele CA010224.
Genomic context (GRCh38, chr5:112,779,662, plus strand): 5'-TATCAAAACATTACTGAAAACATCAGATCTAAACCACATTATTGCAACATACTGTGTCAT[G>T]TTCAATTTTTTTTTTTTGCAGAGAGGGTTTGGGAAGTGGAGGACTAATAAGTGGAGTTAC-3'

ClinVar aggregate classification (germline): other (0 of 4 stars; one submission).

Conditions:
Familial colorectal cancer. Identifiers: MedGen CN280943, MONDO:0023113. Disease mechanism: loss of function.

Submission:

Systems Biology Platform Zhejiang California International NanoSystems Institute
Classification: other for Familial colorectal cancer. Review status: no assertion criteria provided. Collection method: not provided. Allele origin: unknown.
ClinVar note: Converted during submission from cancer to other.